The following is an entry in ClinVar:

NM_001005361.3(DNM2):c.814A>G (p.Met272Val)

Gene: DNM2 (dynamin 2; plus strand). Cytogenetic location: 19p13.2.
Variant type: single nucleotide variant.
Coding change: c.814A>G on transcript NM_001005361.3 (MANE Select); coding-DNA position 814, A replaced by G.
Protein change: p.Met272Val; replaces methionine 272 with valine.
Molecular consequence: missense variant.
Genome position (GRCh38, 1-based): chr19:10,783,085, A>G. VCF-style: chr19-10783085-A-G. GRCh37 (hg19) VCF-style: chr19-10893761-A-G.
Other names: c.814A>G, p.Met272Val (NM_001005360.3, NM_001005362.3, NM_001190716.2 and 1 more transcripts); short protein forms M272V.
Identifiers: ClinVar variation 4083267 (VCV004083267.1).
Genomic context (GRCh38, chr19:10,783,085, plus strand): 5'-CTGGCAGCTGAGAGGAAGTTCTTCCTCTCCCACCCGGCCTACCGGCACATGGCCGACCGC[A>G]TGGGCACGCCACATCTGCAGAAGACGCTGAATCAGGTACTGCAAGGGTTTGCACGTAGTG-3'
Protein context (NP_001005361.1, residues 262-282): HPAYRHMADR[Met272Val]GTPHLQKTLN

ClinVar aggregate classification (germline): Uncertain significance (1 of 4 stars; one submission).

Submission:

GeneDx
Classification: Uncertain significance. Last evaluated: 2025-03-12. Review status: criteria provided, single submitter. Criteria: GeneDx Variant Classification Process June 2021. Collection method: clinical testing. Allele origin: germline. Affected: yes.
Comment: Not observed at significant frequency in large population cohorts (gnomAD); In silico analysis supports that this missense variant has a deleterious effect on protein structure/function; Has not been previously published as pathogenic or benign to our knowledge; This variant is associated with the following publications: (PMID: 16227997)